The following is an entry in ClinVar:

ClinVar aggregate classification (germline): Conflicting classifications of pathogenicity. Review status: criteria provided, conflicting classifications (1 of 4 stars). 2 submissions from 2 submitters: Uncertain significance (1); Likely benign (1). Last evaluated 2023-03-23.

Conditions:
Hereditary cancer-predisposing syndrome. Also called: Hereditary neoplastic syndrome; Tumor predisposition; Hereditary Cancer Syndrome; Neoplastic Syndromes, Hereditary. Identifiers: Orphanet 140162, MedGen C0027672, MeSH D009386, MONDO:0015356.
Hereditary breast ovarian cancer syndrome. Also called: Hereditary breast and ovarian cancer syndrome; BRCA1- and BRCA2-Associated Hereditary Breast and Ovarian Cancer; Hereditary breast and ovarian cancer syndrome (HBOC); Hereditary breast and/or ovarian cancer syndrome; Hereditary breast and ovarian cancer; Breast and ovarian cancer. Identifiers: Orphanet 145, MedGen C0677776, MeSH D061325, MONDO:0003582. Disease mechanism: loss of function.

Submissions (2):

University of Washington Department of Laboratory Medicine, University of Washington
Classification: Likely benign for Hereditary cancer-predisposing syndrome. Last evaluated: 2023-03-23. Review status: criteria provided, single submitter. Criteria: Dines et al. (Genet Med. 2020). Collection method: curation. Allele origin: germline.
Comment: Missense variant in a coldspot region where missense variants are very unlikely to be pathogenic (PMID:31911673).

BRCA2 exon 11 coldspot. Reclassification based on statistical prior probability.

Labcorp Genetics (formerly Invitae), Labcorp
Classification: Uncertain significance for Hereditary breast ovarian cancer syndrome. Last evaluated: 2022-04-24. Review status: criteria provided, single submitter. Criteria: Invitae Variant Classification Sherloc (09022015). Collection method: clinical testing. Allele origin: germline.
Comment: In summary, the available evidence is currently insufficient to determine the role of this variant in disease. Therefore, it has been classified as a Variant of Uncertain Significance. Advanced modeling of protein sequence and biophysical properties (such as structural, functional, and spatial information, amino acid conservation, physicochemical variation, residue mobility, and thermodynamic stability) performed at Invitae indicates that this missense variant is not expected to disrupt BRCA2 protein function. This variant has not been reported in the literature in individuals affected with BRCA2-related conditions. This variant is not present in population databases (gnomAD no frequency). This sequence change replaces leucine, which is neutral and non-polar, with isoleucine, which is neutral and non-polar, at codon 1462 of the BRCA2 protein (p.Leu1462Ile).

NM_000059.4(BRCA2):c.4384T>A (p.Leu1462Ile)

Gene: BRCA2 (BRCA2 DNA repair associated; plus strand). Cytogenetic location: 13q13.1.
Variant type: single nucleotide variant.
Coding change: c.4384T>A on transcript NM_000059.4 (MANE Select); coding-DNA position 4384, T replaced by A.
Protein change: p.Leu1462Ile; replaces leucine 1462 with isoleucine.
Molecular consequence: missense variant.
Genome position (GRCh38, 1-based): chr13:32,338,739, T>A. VCF-style: chr13-32338739-T-A. GRCh37 (hg19) VCF-style: chr13-32912876-T-A.
Other names: c.4384T>A, p.Leu1462Ile (NM_001406719.1, NM_001406720.1); short protein forms L1462I.
Identifiers: ClinVar variation 2129868 (VCV002129868.6), dbSNP rs1593902198, ClinGen allele CA387781062.